The following is an entry in ClinVar:

ClinVar aggregate classification (germline): Conflicting classifications of pathogenicity. Review status: criteria provided, conflicting classifications (1 of 4 stars). 2 submissions from 2 submitters: Uncertain significance (1); Likely benign (1). Last evaluated 2025-10-26.

Conditions:
Catecholaminergic polymorphic ventricular tachycardia 1. Also called: VENTRICULAR TACHYCARDIA, CATECHOLAMINERGIC POLYMORPHIC, 1, WITH OR WITHOUT ATRIAL DYSFUNCTION AND/OR DILATED CARDIOMYOPATHY; RYR2-Related Catecholaminergic Polymorphic Ventricular Tachycardia; VENTRICULAR TACHYCARDIA, STRESS-INDUCED POLYMORPHIC 1. Identifiers: Orphanet 3286, MedGen C1631597, MONDO:0011484, OMIM 604772.
Cardiovascular phenotype. Identifiers: MedGen CN230736.

Allele frequency attached by ClinVar (database versions not stated): gnomAD exomes below 0.00001; gnomAD 0.00001; TOPMed 0.00004.
gnomAD v4.1: 3 of 1,613,782 alleles (0.00019%); highest among the groups gnomAD compares: African/African-American, 0.0027%; no homozygotes.

Submissions (2):

Labcorp Genetics (formerly Invitae), Labcorp
Classification: Likely benign for Catecholaminergic polymorphic ventricular tachycardia 1. Last evaluated: 2025-10-26. Review status: criteria provided, single submitter. Criteria: Invitae Variant Classification Sherloc (09022015). Collection method: clinical testing. Allele origin: germline.

Ambry Genetics
Classification: Uncertain significance for Cardiovascular phenotype. Last evaluated: 2022-02-20. Review status: criteria provided, single submitter. Criteria: Ambry Variant Classification Scheme 2023. Collection method: clinical testing. Allele origin: germline.
Comment: The p.N3257S variant (also known as c.9770A>G), located in coding exon 68 of the RYR2 gene, results from an A to G substitution at nucleotide position 9770. The asparagine at codon 3257 is replaced by serine, an amino acid with highly similar properties. This amino acid position is not well conserved in available vertebrate species. In addition, this alteration is predicted to be tolerated by in silico analysis. Since supporting evidence is limited at this time, the clinical significance of this alteration remains unclear.

NM_001035.3(RYR2):c.9770A>G (p.Asn3257Ser)

Gene: RYR2 (ryanodine receptor 2; plus strand). Cytogenetic location: 1q43.
Variant type: single nucleotide variant.
Coding change: c.9770A>G on transcript NM_001035.3 (MANE Select); coding-DNA position 9770, A replaced by G.
Protein change: p.Asn3257Ser; replaces asparagine 3257 with serine.
Molecular consequence: missense variant.
Genome position (GRCh38, 1-based): chr1:237,707,138, A>G. VCF-style: chr1-237707138-A-G. GRCh37 (hg19) VCF-style: chr1-237870438-A-G.
Other names: short protein forms N3257S.
Identifiers: ClinVar variation 1502250 (VCV001502250.9), dbSNP rs1167753426, ClinGen allele CA345408881.
Genomic context (GRCh38, chr1:237,707,138, plus strand): 5'-TCATACTGCCCATGCTTTGCAGCTACATGTCTCGTTGGTGGGAGCATGGACCTGAGAACA[A>G]TCCAGAACGGGCCGAGATGTGCTGCACAGCCCTGAACTCAGAGCACATGAACACACTTCT-3'
Protein context (NP_001026.2, residues 3247-3267): SRWWEHGPEN[Asn3257Ser]PERAEMCCTA